The following is an entry in ClinVar:

ClinVar aggregate classification (germline): Uncertain significance (1 of 4 stars; one submission).

Conditions:
Cystic fibrosis (CF). Also called: MUCOVISCIDOSIS. Identifiers: Orphanet 586, MedGen C0010674, MONDO:0009061, OMIM 219700. Disease mechanism: loss of function.

Submission:

Ambry Genetics
Classification: Uncertain significance for Cystic fibrosis. Last evaluated: 2025-04-03. Review status: criteria provided, single submitter. Criteria: Ambry Variant Classification Scheme 2023. Collection method: clinical testing. Allele origin: germline.
Comment: The p.P41A variant (also known as c.121C>G), located in coding exon 2 of the CFTR gene, results from a C to G substitution at nucleotide position 121. The proline at codon 41 is replaced by alanine, an amino acid with highly similar properties. This amino acid position is conserved. In addition, this alteration is predicted to be tolerated by in silico analysis. Based on the available evidence, the clinical significance of this variant remains unclear.

NM_000492.4(CFTR):c.121C>G (p.Pro41Ala)

Gene: CFTR (CF transmembrane conductance regulator; plus strand). Cytogenetic location: 7q31.2.
Variant type: single nucleotide variant.
Coding change: c.121C>G on transcript NM_000492.4 (MANE Select); coding-DNA position 121, C replaced by G.
Protein change: p.Pro41Ala; replaces proline 41 with alanine.
Molecular consequence: missense variant.
Genome position (GRCh38, 1-based): chr7:117,504,320, C>G. VCF-style: chr7-117504320-C-G. GRCh37 (hg19) VCF-style: chr7-117144374-C-G.
Other names: short protein forms P41A.
Identifiers: ClinVar variation 4001830 (VCV004001830.1).